The following is an entry in ClinVar:

ClinVar aggregate classification (germline): Uncertain significance (0 of 4 stars; one submission).

Conditions:
DTNA-related disorder. Also called: DTNA-related condition.

Submission:

PreventionGenetics, part of Exact Sciences
Classification: Uncertain significance for DTNA-related condition. Last evaluated: 2024-07-17. Review status: no assertion criteria provided. Collection method: clinical testing. Allele origin: germline.
Comment: The DTNA c.-2G>A variant is located in the 5' untranslated region. This variant is referred to as c.749G>A (p.Ser250Asn) with an alternate transcript NM_001390. To our knowledge, this variant has not been reported in the literature or in a large population database, indicating this variant is rare. At this time, the clinical significance of this variant is uncertain due to the absence of conclusive functional and genetic evidence.

NM_001386795.1(DTNA):c.749G>A (p.Ser250Asn)

Gene: DTNA (dystrobrevin alpha; plus strand). Cytogenetic location: 18q12.1.
Variant type: single nucleotide variant.
Coding change: c.749G>A on transcript NM_001386795.1 (MANE Select); coding-DNA position 749, G replaced by A.
Protein change: p.Ser250Asn; replaces serine 250 with asparagine.
Molecular consequence: missense variant. On other transcripts: 5 prime UTR variant (1), intron variant (1).
Genome position (GRCh38, 1-based): chr18:34,818,203, G>A. VCF-style: chr18-34818203-G-A. GRCh37 (hg19) VCF-style: chr18-32398167-G-A.
Other names: c.749G>A, p.Ser250Asn (NM_001128175.2, NM_001198938.2, NM_001198939.2 and 34 more transcripts); c.-2G>A (NM_001198943.1); c.603+6090G>A (NM_001198945.2); short protein forms S250N.
Identifiers: ClinVar variation 3344437 (VCV003344437.1).